The following is an entry in ClinVar:

NM_017882.3(CLN6):c.150C>G (p.Tyr50Ter)

Gene: CLN6 (CLN6 transmembrane ER protein; minus strand). Cytogenetic location: 15q23.
Variant type: single nucleotide variant.
Coding change: c.150C>G on transcript NM_017882.3 (MANE Select); coding-DNA position 150, C replaced by G.
Protein change: p.Tyr50Ter; replaces tyrosine 50 with a stop codon.
Molecular consequence: nonsense.
Genome position (GRCh38, 1-based): chr15:68,218,584, G>C on the plus strand (C>G on the coding strand, the complement: CLN6 is on the minus strand). VCF-style: chr15-68218584-G-C. GRCh37 (hg19) VCF-style: chr15-68510922-G-C.
Other names: Tyyr50X; short protein forms Y50*.
Identifiers: ClinVar variation 68094 (VCV000068094.37), dbSNP rs154774640, ClinGen allele CA284815.

ClinVar aggregate classification (germline): Pathogenic/Likely pathogenic. Review status: criteria provided, multiple submitters, no conflicts (2 of 4 stars). 8 submissions from 8 submitters: Pathogenic (5); Likely pathogenic (1). 2 of the submissions do not count toward it. Last evaluated 2025-12-14.

Conditions:
CLN6-related disorder. Also called: CLN6-related condition.
Neuronal ceroid lipofuscinosis. Also called: Neuronal Ceroid Lipofuscinoses. Identifiers: Orphanet 216, Orphanet 79263, MedGen C0027877, MONDO:0016295. Disease mechanism: loss of function.
Ceroid lipofuscinosis, neuronal, 6A. Also called: Neuronal ceroid lipofuscinosis, late infantile, variant; Neuronal ceroid lipofuscinosis, Gypsy/Indian early juvenile variant; Neuronal ceroid lipofuscinosis 6; CLN6-Related Neuronal Ceroid-Lipofuscinosis. Identifiers: Orphanet 168491, Orphanet 228363, MedGen C5551375, MONDO:0011144, OMIM 601780.

Allele frequency attached by ClinVar (database versions not stated): gnomAD exomes 0.00001; gnomAD 0.00002; TOPMed 0.00004.
gnomAD v4.1: 61 of 1,613,938 alleles (0.0038%); highest among the groups gnomAD compares: Non-Finnish European, 0.005%; no homozygotes.

Submissions (8):

Labcorp Genetics (formerly Invitae), Labcorp
Classification: Pathogenic for Neuronal ceroid lipofuscinosis. Last evaluated: 2025-12-14. Review status: criteria provided, single submitter. Criteria: Invitae Variant Classification Sherloc (09022015). Collection method: clinical testing. Allele origin: germline.
Comment: This sequence change creates a premature translational stop signal (p.Tyr50*) in the CLN6 gene. It is expected to result in an absent or disrupted protein product. Loss-of-function variants in CLN6 are known to be pathogenic (PMID: 19135028). This variant is present in population databases (rs154774640, gnomAD 0.002%). This premature translational stop signal has been observed in individual(s) with neuronal ceroid lipofuscinosis (PMID: 21549341, 26075876). ClinVar contains an entry for this variant (Variation ID: 68094). For these reasons, this variant has been classified as Pathogenic.

Natera, Inc.
Classification: Pathogenic for Ceroid lipofuscinosis, neuronal, 6A. Last evaluated: 2024-12-31. Review status: criteria provided, single submitter. Criteria: Natera Variant Classification Schema (03/2026). Collection method: clinical testing. Allele origin: germline.
Comment: The c.150C>G variant in CLN6 is a nonsense variant predicted to introduce a stop codon at amino acid 50. This variant is expected to result in nonsense mediated decay, truncation, or a dysfunctional protein product. This variant is rare in the general population with a frequency below the threshold expected for the associated phenotype(s). This variant has been observed in one or more individuals affected with the associated recessive disease, as either homozygous or compound heterozygous with a second variant (PMID: 26075876). Given the available evidence, this variant is classified as Pathogenic.

GeneDx
Classification: Pathogenic. Last evaluated: 2024-11-15. Review status: criteria provided, single submitter. Criteria: GeneDx Variant Classification Process June 2021. Collection method: clinical testing. Allele origin: germline. Affected: yes.
Comment: Reported previously in a patient with a clinical diagnosis of Kufs disease who was also heterozygous for two missense substitutions in the CLN6 gene, although no further clinical details were provided and parental testing was not performed to determine the phase of the three variants (PMID: 21549341); Reported previously as a pathogenic variant in a cohort of patients referred for epilepsy genetic testing; however, no specific clinical information was provided (PMID: 31440721); Nonsense variant predicted to result in protein truncation or nonsense mediated decay in a gene for which loss of function is a known mechanism of disease; Not observed at significant frequency in large population cohorts (gnomAD); This variant is associated with the following publications: (PMID: 31980526, 31440721, 26075876, 33024953, 21549341)

Blueprint Genetics
Classification: Pathogenic for CLN6-related disorders. Last evaluated: 2024-10-24. Review status: criteria provided, single submitter. Criteria: ACMG Guidelines, 2015. Collection method: clinical testing. Allele origin: germline. Affected: yes. Observed: 1 variant allele.

CeGaT Center for Human Genetics Tuebingen
Classification: Pathogenic. Last evaluated: 2024-01-01. Review status: criteria provided, single submitter. Criteria: CeGaT Center For Human Genetics Tuebingen Variant Classification Criteria Version 2. Collection method: clinical testing. Allele origin: germline. Affected: yes. Observed: 1 variant allele.
Comment: CLN6: PVS1, PM2, PM3

Women's Health and Genetics/Laboratory Corporation of America, LabCorp
Classification: Likely pathogenic for Neuronal ceroid lipofuscinosis. Last evaluated: 2023-02-02. Review status: criteria provided, single submitter. Criteria: LabCorp Variant Classification Summary - May 2015. Collection method: clinical testing. Allele origin: germline.
Comment: Variant summary: CLN6 c.150C>G (p.Tyr50X) results in a premature termination codon, predicted to cause a truncation of the encoded protein or absence of the protein due to nonsense mediated decay, which are commonly known mechanisms for disease. Truncations downstream of this position have been associated with Neuronal Ceroid Lipofuscinosis (NCL) in HGMD. The variant allele was found at a frequency of 8e-06 in 251404 control chromosomes. c.150C>G has been reported in the literature in individuals affected with Neuronal Ceroid-Lipofuscinosis (DiFruscio_2015), and specifically in Kufs disease, a subtype of NCL (Arsov_2011, Talbot_2020). To our knowledge, no experimental evidence demonstrating an impact on protein function has been reported. Three clinical diagnostic laboratories have submitted clinical-significance assessments for this variant to ClinVar after 2014 without evidence for independent evaluation. Laboratories classified the variant as pathogenic (n=1) or likely pathogenic (n=2). Based on the evidence outlined above, the variant was classified as likely pathogenic.

Counsyl
Classification: Likely pathogenic for Ceroid lipofuscinosis, neuronal, 6A. Last evaluated: 2017-07-14. Review status: no assertion criteria provided. Collection method: clinical testing. Allele origin: unknown. Not counted in ClinVar's aggregate classification.

SNPedia
No classification provided. Review status: no classification provided. Collection method: not provided. Allele origin: germline. Not counted in ClinVar's aggregate classification.
Comment: Kufs Type A disease

Literature cited by the submitters: PubMed 19135028 (cited by Labcorp Genetics (formerly Invitae), Labcorp); PubMed 21549341 (cited by 3 submitters); PubMed 26075876 (cited by 4 submitters); PubMed 21990111 (cited by Women's Health and Genetics/Laboratory Corporation of America, LabCorp); PubMed 29140481 (cited by Women's Health and Genetics/Laboratory Corporation of America, LabCorp); PubMed 30528883 (cited by Women's Health and Genetics/Laboratory Corporation of America, LabCorp); PubMed 21819394 (cited by Women's Health and Genetics/Laboratory Corporation of America, LabCorp); PubMed 25359263 (cited by Women's Health and Genetics/Laboratory Corporation of America, LabCorp); PubMed 34597687 (cited by Women's Health and Genetics/Laboratory Corporation of America, LabCorp); PubMed 33024953 (cited by Women's Health and Genetics/Laboratory Corporation of America, LabCorp).